The following is an entry in ClinVar:

ClinVar aggregate classification (germline): Uncertain significance (1 of 4 stars; one submission).

Allele frequency attached by ClinVar (database versions not stated): gnomAD 0.00001; TOPMed 0.00001.
gnomAD v4.1: 9 of 1,591,192 alleles (0.00057%); highest among the groups gnomAD compares: Admixed American, 0.011%; no homozygotes.

Submission:

Ambry Genetics
Classification: Uncertain significance. Last evaluated: 2025-01-22. Review status: criteria provided, single submitter. Criteria: Ambry Variant Classification Scheme 2023. Collection method: clinical testing. Allele origin: germline.
Comment: The p.V151L variant (also known as c.451G>C), located in coding exon 1 of the WNK2 gene, results from a G to C substitution at nucleotide position 451. The valine at codon 151 is replaced by leucine, an amino acid with highly similar properties. This amino acid position is conserved. In addition, this alteration is predicted to be tolerated by in silico analysis. Based on the available evidence, the clinical significance of this variant remains unclear.

NM_006648.4(WNK2):c.451G>C (p.Val151Leu)

Gene: WNK2 (WNK lysine deficient protein kinase 2; plus strand). Cytogenetic location: 9q22.31.
Variant type: single nucleotide variant.
Coding change: c.451G>C on transcript NM_006648.4 (MANE Select); coding-DNA position 451, G replaced by C.
Protein change: p.Val151Leu; replaces valine 151 with leucine.
Molecular consequence: missense variant.
Genome position (GRCh38, 1-based): chr9:93,185,380, G>C. VCF-style: chr9-93185380-G-C. GRCh37 (hg19) VCF-style: chr9-95947662-G-C.
Other names: c.451G>C, p.Val151Leu (NM_001282394.3); short protein forms V151L.
Identifiers: ClinVar variation 3190640 (VCV003190640.2), dbSNP rs759495885, ClinGen allele CA374055462.